The following is an entry in ClinVar:

ClinVar aggregate classification (germline): Uncertain significance (1 of 4 stars; one submission).

Conditions:
Cardiovascular phenotype. Identifiers: MedGen CN230736.
Hereditary cancer-predisposing syndrome. Also called: Hereditary Cancer Syndrome; Hereditary neoplastic syndrome; Neoplastic Syndromes, Hereditary; Tumor predisposition. Identifiers: Orphanet 140162, MedGen C0027672, MeSH D009386, MONDO:0015356.

Submission:

Ambry Genetics
Classification: Uncertain significance for Cardiovascular phenotype; Hereditary cancer-predisposing syndrome. Last evaluated: 2020-12-22. Review status: criteria provided, single submitter. Criteria: Ambry Variant Classification Scheme 2023. Collection method: clinical testing. Allele origin: germline.
Comment: The p.L508H variant (also known as c.1523T>A), located in coding exon 13 of the NF1 gene, results from a T to A substitution at nucleotide position 1523. The leucine at codon 508 is replaced by histidine, an amino acid with similar properties. This amino acid position is highly conserved in available vertebrate species. In addition, the in silico prediction for this alteration is inconclusive. Since supporting evidence is limited at this time, the clinical significance of this alteration remains unclear.

NM_001042492.3(NF1):c.1523T>A (p.Leu508His)

Gene: NF1 (neurofibromin 1; plus strand). Cytogenetic location: 17q11.2.
Variant type: single nucleotide variant.
Coding change: c.1523T>A on transcript NM_001042492.3 (MANE Select); coding-DNA position 1523, T replaced by A.
Protein change: p.Leu508His; replaces leucine 508 with histidine.
Molecular consequence: missense variant.
Genome position (GRCh38, 1-based): chr17:31,214,581, T>A. VCF-style: chr17-31214581-T-A. GRCh37 (hg19) VCF-style: chr17-29541599-T-A.
Other names: c.1523T>A, p.Leu508His (NM_000267.4, NM_001128147.3); short protein forms L508H.
Identifiers: ClinVar variation 1774480 (VCV001774480.2), dbSNP rs137854558, ClinGen allele CA399001701.